The following is an entry in ClinVar:

ClinVar aggregate classification (germline): Uncertain significance. Review status: criteria provided, multiple submitters, no conflicts (2 of 4 stars). 3 submissions from 3 submitters: Uncertain significance (2). 1 of the submissions does not count toward it. Last evaluated 2022-05-29.

Conditions:
Zellweger spectrum disorders (ZS). Also called: Zellweger syndrome; Zellweger Spectrum Disorder; Zellweger Spectrum; Zellweger Spectrum Disorder (ZSD). Identifiers: Orphanet 912, MedGen C0043459, MONDO:0019609.

Allele frequency attached by ClinVar (database versions not stated): gnomAD exomes below 0.00001; gnomAD 0.00001; TOPMed 0.00001; ESP Exome Variant Server 0.00015.
gnomAD v4.1: 16 of 1,613,684 alleles (0.00099%); highest among the groups gnomAD compares: African/African-American, 0.0013%; no homozygotes.

Submissions (3):

Labcorp Genetics (formerly Invitae), Labcorp
Classification: Uncertain significance for Zellweger spectrum disorders. Last evaluated: 2022-05-29. Review status: criteria provided, single submitter. Criteria: Invitae Variant Classification Sherloc (09022015). Collection method: clinical testing. Allele origin: germline.
Comment: This sequence change replaces leucine, which is neutral and non-polar, with isoleucine, which is neutral and non-polar, at codon 1051 of the PEX1 protein (p.Leu1051Ile). This variant is present in population databases (rs138992611, gnomAD 0.0009%). This variant has not been reported in the literature in individuals affected with PEX1-related conditions. ClinVar contains an entry for this variant (Variation ID: 1035566). Algorithms developed to predict the effect of missense changes on protein structure and function (SIFT, PolyPhen-2, Align-GVGD) all suggest that this variant is likely to be tolerated. In summary, the available evidence is currently insufficient to determine the role of this variant in disease. Therefore, it has been classified as a Variant of Uncertain Significance.

GeneDx
Classification: Uncertain significance. Last evaluated: 2019-08-09. Review status: criteria provided, single submitter. Criteria: GeneDx Variant Classification Process June 2021. Collection method: clinical testing. Allele origin: germline. Affected: yes.
Comment: Not observed at a significant frequency in large population cohorts (Lek et al., 2016); In silico analysis, which includes protein predictors and evolutionary conservation, supports that this variant does not alter protein structure/function; Has not been previously published as pathogenic or benign to our knowledge

Natera, Inc.
Classification: Uncertain significance for Zellweger syndrome. Last evaluated: 2018-10-08. Review status: no assertion criteria provided. Collection method: clinical testing. Allele origin: germline. Not counted in ClinVar's aggregate classification.

NM_000466.3(PEX1):c.3151C>A (p.Leu1051Ile)

Genes: PEX1 (peroxisomal biogenesis factor 1; minus strand), GATAD1 (GATA zinc finger domain containing 1; plus strand). Cytogenetic location: 7q21.2.
Variant type: single nucleotide variant.
Coding change: c.3151C>A on transcript NM_000466.3 (MANE Select); coding-DNA position 3151, C replaced by A.
Protein change: p.Leu1051Ile; replaces leucine 1051 with isoleucine.
Molecular consequence: missense variant.
Genome position (GRCh38, 1-based): chr7:92,493,009, G>T on the plus strand (C>A on the coding strand, the complement: PEX1 is on the minus strand). VCF-style: chr7-92493009-G-T. GRCh37 (hg19) VCF-style: chr7-92122323-G-T.
Other names: c.2980C>A, p.Leu994Ile (NM_001282677.2); c.2527C>A, p.Leu843Ile (NM_001282678.2); short protein forms L994I, L1051I, L843I.
Identifiers: ClinVar variation 1035566 (VCV001035566.11), dbSNP rs138992611, ClinGen allele CA4340895.